The following is an entry in ClinVar:

ClinVar aggregate classification (germline): Likely pathogenic (1 of 4 stars; one submission).

Conditions:
Pheochromocytoma. Also called: MAX-Related Hereditary Paraganglioma-Pheochromocytoma Syndrome. Identifiers: Orphanet 29072, MedGen C0031511, MONDO:0008233, OMIM 171300, HP:0002666.
Pheochromocytoma/paraganglioma syndrome 4. Also called: PHEOCHROMOCYTOMA, FAMILIAL EXTRAADRENAL; CAROTID BODY TUMORS AND MULTIPLE EXTRAADRENAL PHEOCHROMOCYTOMAS; PARAGANGLIOMA, FAMILIAL MALIGNANT; PARAGANGLIOMAS, HEREDITARY EXTRAADRENAL; Paragangliomas 4; SDHB-Related Hereditary Paraganglioma-Pheochromocytoma Syndrome (Paragangliomas 4). Identifiers: Orphanet 29072, MedGen C1861848, MONDO:0007273, OMIM 115310.
Gastrointestinal stromal tumor. Also called: Gastrointestinal stromal tumor, somatic; Gastrointestinal stroma tumor. Identifiers: Orphanet 44890, MedGen C0238198, MeSH D046152, MONDO:0011719, OMIM 606764, HP:0100723.

Submission:

Labcorp Genetics (formerly Invitae), Labcorp
Classification: Likely pathogenic for Gastrointestinal stromal tumor; Pheochromocytoma/paraganglioma syndrome 4; Pheochromocytoma. Last evaluated: 2022-03-27. Review status: criteria provided, single submitter. Criteria: Invitae Variant Classification Sherloc (09022015). Collection method: clinical testing. Allele origin: germline.
Comment: In summary, the currently available evidence indicates that the variant is pathogenic, but additional data are needed to prove that conclusively. Therefore, this variant has been classified as Likely Pathogenic. This variant disrupts the p.Arg242 amino acid residue in SDHB. Other variant(s) that disrupt this residue have been determined to be pathogenic (PMID: 19351833, 23175444; Invitae). This suggests that this residue is clinically significant, and that variants that disrupt this residue are likely to be disease-causing. A similar copy number variant has been observed in individual(s) with pheochromocytoma (PMID: 22517554). This variant is a gross deletion of the genomic region encompassing exon(s) 6-7 of the SDHB gene. This variant would be expected to be in-frame, preserving the integrity of the reading frame.

Literature cited by the submitters: PubMed 19351833; PubMed 23175444; PubMed 22517554.

NC_000001.10:g.(?_17349093)_(17350579_?)del

Gene: SDHB (succinate dehydrogenase complex iron sulfur subunit B; minus strand). Cytogenetic location: 1p36.13.
Variant type: Deletion.
Identifiers: ClinVar variation 1508387 (VCV001508387.13).